The following is an entry in ClinVar:

NM_001256545.2(MEGF10):c.616G>A (p.Val206Ile)

Gene: MEGF10 (multiple EGF like domains 10; plus strand). Cytogenetic location: 5q23.2.
Variant type: single nucleotide variant.
Coding change: c.616G>A on transcript NM_001256545.2 (MANE Select); coding-DNA position 616, G replaced by A.
Protein change: p.Val206Ile; replaces valine 206 with isoleucine.
Molecular consequence: missense variant.
Genome position (GRCh38, 1-based): chr5:127,396,735, G>A. VCF-style: chr5-127396735-G-A. GRCh37 (hg19) VCF-style: chr5-126732427-G-A.
Other names: c.616G>A, p.Val206Ile (NM_001308119.2, NM_001308121.2, NM_032446.3); short protein forms V206I.
Identifiers: ClinVar variation 262079 (VCV000262079.21), dbSNP rs3812054, ClinGen allele CA3391344.

ClinVar aggregate classification (germline): Benign. Review status: criteria provided, multiple submitters, no conflicts (2 of 4 stars). 5 submissions from 5 submitters: Benign (5). Last evaluated 2026-02-03.

Conditions:
MEGF10-related myopathy (CMYO10A). Also called: Congenital myopathy 10A, severe variant. Identifiers: Orphanet 439212, MedGen C3280679, MONDO:0013731, OMIM 614399.

Allele frequency attached by ClinVar (database versions not stated): ESP Exome Variant Server 0.10826; gnomAD 0.10861 and 0.10819; 1000 Genomes Project 0.08666; TOPMed 0.09866; ExAC 0.11434; 1000 Genomes Project 30x 0.08370; gnomAD exomes 0.11042 and 0.12755.

Submissions (5):

Labcorp Genetics (formerly Invitae), Labcorp
Classification: Benign for MEGF10-related myopathy. Last evaluated: 2026-02-03. Review status: criteria provided, single submitter. Criteria: Invitae Variant Classification Sherloc (09022015). Collection method: clinical testing. Allele origin: germline.

Illumina Laboratory Services, Illumina
Classification: Benign for MEGF10-related myopathy. Last evaluated: 2018-01-13. Review status: criteria provided, single submitter. Criteria: ICSL Variant Classification Criteria 13 December 2019. Collection method: clinical testing. Allele origin: germline.
Comment: This variant was observed in the ICSL laboratory as part of a predisposition screen in an ostensibly healthy population. It had not been previously curated by ICSL or reported in the Human Gene Mutation Database (HGMD: prior to June 1st, 2018), and was therefore a candidate for classification through an automated scoring system. Utilizing variant allele frequency, disease prevalence and penetrance estimates, and inheritance mode, an automated score was calculated to assess if this variant is too frequent to cause the disease. Based on the score and internal cut-off values, a variant classified as benign is not then subjected to further curation. The score for this variant resulted in a classification of benign for this disease.

Mayo Clinic Laboratories, Mayo Clinic
Classification: Benign. Last evaluated: 2017-08-25. Review status: criteria provided, single submitter. Criteria: ACMG Guidelines, 2015. Collection method: clinical testing. Allele origin: germline. Observed: 96 variant alleles.

GeneDx
Classification: Benign. Last evaluated: 2016-01-05. Review status: criteria provided, single submitter. Criteria: GeneDx Variant Classification (06012015). Collection method: clinical testing. Allele origin: germline. Affected: yes.
Comment: This variant is considered likely benign or benign based on one or more of the following criteria: it is a conservative change, it occurs at a poorly conserved position in the protein, it is predicted to be benign by multiple in silico algorithms, and/or has population frequency not consistent with disease.

PreventionGenetics, part of Exact Sciences
Classification: Benign. Review status: criteria provided, single submitter. Criteria: ACMG Guidelines, 2015. Collection method: clinical testing. Allele origin: germline.